The following is an entry in ClinVar:

NM_031433.4(MFRP):c.896C>T (p.Ser299Leu)

Genes: C1QTNF5 (C1q and TNF related 5; minus strand), MFRP (membrane frizzled-related protein; minus strand). Cytogenetic location: 11q23.3.
Variant type: single nucleotide variant.
Coding change: c.896C>T on transcript NM_031433.4 (MANE Select); coding-DNA position 896, C replaced by T.
Protein change: p.Ser299Leu; replaces serine 299 with leucine.
Molecular consequence: missense variant. On other transcripts: 5 prime UTR variant (1).
Genome position (GRCh38, 1-based): chr11:119,344,634, G>A on the plus strand (C>T on the coding strand, the complement: MFRP is on the minus strand). VCF-style: chr11-119344634-G-A. GRCh37 (hg19) VCF-style: chr11-119215344-G-A.
Other names: c.-1741C>T (NM_015645.5); short protein forms S299L.
Identifiers: ClinVar variation 1519680 (VCV001519680.6), dbSNP rs143680329, ClinGen allele CA6320367.

ClinVar aggregate classification (germline): Uncertain significance. Review status: criteria provided, multiple submitters, no conflicts (2 of 4 stars). 2 submissions from 2 submitters: Uncertain significance (2). Last evaluated 2025-02-24.

Conditions:
Inborn genetic diseases. Identifiers: MedGen C0950123, MeSH D030342.
Isolated microphthalmia 5. Also called: Posterior Microphthalmia with Retinitis Pigmentosa, Foveoschisis, and Optic Disc Drusen. Identifiers: Orphanet 251279, MedGen C1970236, MONDO:0012605, OMIM 611040.

Allele frequency attached by ClinVar (database versions not stated): gnomAD exomes 0.00003 and 0.00004; gnomAD 0.00005 and 0.00004; ESP Exome Variant Server 0.00008; 1000 Genomes Project 30x 0.00016; 1000 Genomes Project 0.00020; TOPMed 0.00004; ExAC 0.00004.
gnomAD v4.1: 67 of 1,613,990 alleles (0.0042%); highest among the groups gnomAD compares: African/African-American, 0.015%; no homozygotes.

Submissions (2):

Ambry Genetics
Classification: Uncertain significance for Inborn genetic diseases. Last evaluated: 2025-02-24. Review status: criteria provided, single submitter. Criteria: Ambry Variant Classification Scheme 2023. Collection method: clinical testing. Allele origin: germline.

Labcorp Genetics (formerly Invitae), Labcorp
Classification: Uncertain significance for Isolated microphthalmia 5. Last evaluated: 2022-11-22. Review status: criteria provided, single submitter. Criteria: Invitae Variant Classification Sherloc (09022015). Collection method: clinical testing. Allele origin: germline.
Comment: This sequence change replaces serine, which is neutral and polar, with leucine, which is neutral and non-polar, at codon 299 of the MFRP protein (p.Ser299Leu). In summary, the available evidence is currently insufficient to determine the role of this variant in disease. Therefore, it has been classified as a Variant of Uncertain Significance. Algorithms developed to predict the effect of missense changes on protein structure and function output the following: SIFT: "Tolerated"; PolyPhen-2: "Benign"; Align-GVGD: "Class C0". The leucine amino acid residue is found in multiple mammalian species, which suggests that this missense change does not adversely affect protein function. ClinVar contains an entry for this variant (Variation ID: 1519680). This variant has not been reported in the literature in individuals affected with MFRP-related conditions. This variant is present in population databases (rs143680329, gnomAD 0.02%).